The following is an entry in ClinVar:

NM_001077350.3(NPRL3):c.406C>T (p.Pro136Ser)

Genes: HBA-LCR (alpha-globin locus control region; plus strand), NPRL3 (NPR3 like, GATOR1 complex subunit; minus strand). Cytogenetic location: 16p13.3.
Variant type: single nucleotide variant.
Coding change: c.406C>T on transcript NM_001077350.3 (MANE Select); coding-DNA position 406, C replaced by T.
Protein change: p.Pro136Ser; replaces proline 136 with serine.
Molecular consequence: missense variant. On other transcripts: 5 prime UTR variant (1).
Genome position (GRCh38, 1-based): chr16:112,763, G>A on the plus strand (C>T on the coding strand, the complement: NPRL3 is on the minus strand). VCF-style: chr16-112763-G-A. GRCh37 (hg19) VCF-style: chr16-162762-G-A.
Other names: c.-132C>T (NM_001039476.3); c.172C>T, p.Pro58Ser (NM_001243247.2); c.331C>T, p.Pro111Ser (NM_001243248.2, NM_001243249.2); short protein forms P111S, P136S, P58S.
Identifiers: ClinVar variation 2701843 (VCV002701843.3), dbSNP rs769482319, ClinGen allele CA393994091.

ClinVar aggregate classification (germline): Uncertain significance (1 of 4 stars; one submission).

Conditions:
Epilepsy, familial focal, with variable foci 3 (FFEVF3). Identifiers: MedGen C4310708, MONDO:0014925, OMIM 617118.

Allele frequency attached by ClinVar (database versions not stated): gnomAD 0.00001.
gnomAD v4.1: 1 of 1,601,642 alleles (0.000062%); highest among the groups gnomAD compares: South Asian, 0.0011%; no homozygotes.

Submission:

Labcorp Genetics (formerly Invitae), Labcorp
Classification: Uncertain significance for Epilepsy, familial focal, with variable foci 3. Last evaluated: 2023-12-09. Review status: criteria provided, single submitter. Criteria: Invitae Variant Classification Sherloc (09022015). Collection method: clinical testing. Allele origin: germline.
Comment: This sequence change replaces proline, which is neutral and non-polar, with serine, which is neutral and polar, at codon 136 of the NPRL3 protein (p.Pro136Ser). This variant is not present in population databases (gnomAD no frequency). This variant has not been reported in the literature in individuals affected with NPRL3-related conditions. Advanced modeling of protein sequence and biophysical properties (such as structural, functional, and spatial information, amino acid conservation, physicochemical variation, residue mobility, and thermodynamic stability) performed at Invitae indicates that this missense variant is not expected to disrupt NPRL3 protein function with a negative predictive value of 80%. In summary, the available evidence is currently insufficient to determine the role of this variant in disease. Therefore, it has been classified as a Variant of Uncertain Significance.